The following is an entry in ClinVar:

NM_001715.3(BLK):c.228C>G (p.Asp76Glu)

Gene: BLK (BLK proto-oncogene, Src family tyrosine kinase). Cytogenetic location: 8p23.1.
Variant type: single nucleotide variant.
Coding change: c.228C>G on transcript NM_001715.3 (MANE Select); coding-DNA position 228, C replaced by G.
Protein change: p.Asp76Glu; replaces aspartic acid 76 with glutamic acid.
Molecular consequence: missense variant.
Genome position (GRCh38, 1-based): chr8:11,548,084, C>G. VCF-style: chr8-11548084-C-G. GRCh37 (hg19) VCF-style: chr8-11405593-C-G.
Other names: c.15C>G, p.Asp5Glu (NM_001330465.2); short protein forms D76E, D5E.
Identifiers: ClinVar variation 2995287 (VCV002995287.3), dbSNP rs761768063, ClinGen allele CA4629765.
Genomic context (GRCh38, chr8:11,548,084, plus strand): 5'-CATTTTAGACAAGCATTTCGTGGTGGCTCTGTATGACTACACCGCTATGAATGATCGGGA[C>G]CTGCAGATGCTGAAGGGGGAGAAGCTACAGGTCCTGAAGGGGTGAGGTTCCAGGACACCA-3'
Protein context (NP_001706.2, residues 66-86): LYDYTAMNDR[Asp76Glu]LQMLKGEKLQ

ClinVar aggregate classification (germline): Uncertain significance (1 of 4 stars; one submission).

Allele frequency attached by ClinVar (database versions not stated): TOPMed below 0.00001; ExAC 0.00001.
gnomAD v4.1: 12 of 1,613,954 alleles (0.00074%); highest among the groups gnomAD compares: Non-Finnish European, 0.00093%; no homozygotes.

Submission:

Labcorp Genetics (formerly Invitae), Labcorp
Classification: Uncertain significance. Last evaluated: 2025-11-27. Review status: criteria provided, single submitter. Criteria: Invitae Variant Classification Sherloc (09022015). Collection method: clinical testing. Allele origin: germline.
Comment: This sequence change replaces aspartic acid, which is acidic and polar, with glutamic acid, which is acidic and polar, at codon 76 of the BLK protein (p.Asp76Glu). This variant is present in population databases (rs761768063, gnomAD 0.0009%). This variant has not been reported in the literature in individuals affected with BLK-related conditions. ClinVar contains an entry for this variant (Variation ID: 2995287). An algorithm developed to predict the effect of missense changes on protein structure and function (PolyPhen-2) suggests that this variant is likely to be disruptive. In summary, the available evidence is currently insufficient to determine the role of this variant in disease. Therefore, it has been classified as a Variant of Uncertain Significance.